The following is an entry in ClinVar:

NM_000350.3(ABCA4):c.1283T>A (p.Val428Asp)

Gene: ABCA4 (ATP binding cassette subfamily A member 4; minus strand). Cytogenetic location: 1p22.1.
Variant type: single nucleotide variant.
Coding change: c.1283T>A on transcript NM_000350.3 (MANE Select); coding-DNA position 1283, T replaced by A.
Protein change: p.Val428Asp; replaces valine 428 with aspartic acid.
Molecular consequence: missense variant.
Genome position (GRCh38, 1-based): chr1:94,078,663, A>T on the plus strand (T>A on the coding strand, the complement: ABCA4 is on the minus strand). VCF-style: chr1-94078663-A-T. GRCh37 (hg19) VCF-style: chr1-94544219-A-T.
Other names: c.1283T>A, p.Val428Asp (NM_001425324.1); short protein forms V428D.
Identifiers: ClinVar variation 1014596 (VCV001014596.9), dbSNP rs762811617, ClinGen allele CA341282407.

ClinVar aggregate classification (germline): Uncertain significance. Review status: criteria provided, multiple submitters, no conflicts (2 of 4 stars). 2 submissions from 2 submitters: Uncertain significance (2). Last evaluated 2023-09-01.

Submissions (2):

Labcorp Genetics (formerly Invitae), Labcorp
Classification: Uncertain significance. Last evaluated: 2023-09-01. Review status: criteria provided, single submitter. Criteria: Invitae Variant Classification Sherloc (09022015). Collection method: clinical testing. Allele origin: germline.
Comment: This sequence change replaces valine, which is neutral and non-polar, with aspartic acid, which is acidic and polar, at codon 428 of the ABCA4 protein (p.Val428Asp). This variant is not present in population databases (gnomAD no frequency). This missense change has been observed in individual(s) with clinical features of ABCA4-related conditions (Invitae). In at least one individual the data is consistent with being in trans (on the opposite chromosome) from a pathogenic variant. ClinVar contains an entry for this variant (Variation ID: 1014596). Advanced modeling of protein sequence and biophysical properties (such as structural, functional, and spatial information, amino acid conservation, physicochemical variation, residue mobility, and thermodynamic stability) has been performed at Invitae for this missense variant, however the output from this modeling did not meet the statistical confidence thresholds required to predict the impact of this variant on ABCA4 protein function. In summary, the available evidence is currently insufficient to determine the role of this variant in disease. Therefore, it has been classified as a Variant of Uncertain Significance.

Blueprint Genetics
Classification: Uncertain significance. Last evaluated: 2019-08-22. Review status: criteria provided, single submitter. Criteria: ACMG Guidelines, 2015. Collection method: clinical testing. Allele origin: germline.